The following is an entry in ClinVar:

ClinVar aggregate classification (germline): Uncertain significance (1 of 4 stars; one submission).

Conditions:
Hereditary cancer-predisposing syndrome. Also called: Hereditary neoplastic syndrome; Neoplastic Syndromes, Hereditary; Tumor predisposition; Hereditary Cancer Syndrome. Identifiers: Orphanet 140162, MedGen C0027672, MeSH D009386, MONDO:0015356.

Submission:

Ambry Genetics
Classification: Uncertain significance for Hereditary cancer-predisposing syndrome. Last evaluated: 2025-07-03. Review status: criteria provided, single submitter. Criteria: Ambry Variant Classification Scheme 2023. Collection method: clinical testing. Allele origin: germline.
Comment: The c.4258dupT variant, located in coding exon 23 of the PTCH1 gene, results from a duplication of T at nucleotide position 4258, causing a translational frameshift with a predicted alternate stop codon (p.C1420Lfs*2). This alteration occurs at the 3' terminus of the PTCH1 gene, is not expected to trigger nonsense-mediated mRNA decay, and impacts the last 2% of the protein. The exact functional effect of this alteration is unknown. Based on the available evidence, the clinical significance of this variant remains unclear.

NM_000264.5(PTCH1):c.4258dup (p.Cys1420fs)

Gene: PTCH1 (patched 1; minus strand). Cytogenetic location: 9q22.32.
Variant type: Duplication.
Coding change: c.4258dup on transcript NM_000264.5 (MANE Select); coding-DNA position 4258, one base duplicated (T; older notation c.4258dupT).
Protein change: p.Cys1420fs; shifts the reading frame from cysteine 1420.
Molecular consequence: frameshift variant. On other transcripts: non-coding transcript variant (1).
Genome position (GRCh38, 1-based): chr9:95,446,998, A duplicated on the plus strand (T on the coding strand, the reverse complement: PTCH1 is on the minus strand). VCF-style (leftmost placement, unchanged base first): chr9-95446997-C-CA. GRCh37 (hg19) VCF-style: chr9-98209279-C-CA.
Other names: c.4060dup, p.Cys1354fs (NM_001083602.3); c.4255dup, p.Cys1419fs (NM_001083603.3); c.3805dup, p.Cys1269fs (NM_001083604.3, NM_001083605.3, NM_001083606.3 and 1 more transcripts); c.4102dup, p.Cys1368fs (NM_001354918.2); c.4258dupT (NM_000264.3); short protein forms C1420fs, C1354fs, C1419fs, C1269fs, C1368fs.
Identifiers: ClinVar variation 4146850 (VCV004146850.1).